The following is an entry in ClinVar:

NM_014363.6(SACS):c.8584A>T (p.Lys2862Ter)

Gene: SACS (sacsin molecular chaperone; minus strand). Cytogenetic location: 13q12.12.
Variant type: single nucleotide variant.
Coding change: c.8584A>T on transcript NM_014363.6 (MANE Select); coding-DNA position 8584, A replaced by T.
Protein change: p.Lys2862Ter; replaces lysine 2862 with a stop codon.
Molecular consequence: nonsense.
Genome position (GRCh38, 1-based): chr13:23,335,292, T>A on the plus strand (A>T on the coding strand, the complement: SACS is on the minus strand). VCF-style: chr13-23335292-T-A. GRCh37 (hg19) VCF-style: chr13-23909431-T-A.
Other names: c.8143A>T, p.Lys2715Ter (NM_001278055.2); short protein forms K2715*, K2862*.
Identifiers: ClinVar variation 1344003 (VCV001344003.9), dbSNP rs2137590717, ClinGen allele CA387516311.

ClinVar aggregate classification (germline): Pathogenic/Likely pathogenic. Review status: criteria provided, multiple submitters, no conflicts (2 of 4 stars). 3 submissions from 3 submitters: Pathogenic (1); Likely pathogenic (2). Last evaluated 2022-07-19.

Conditions:
Spastic paraplegia. Identifiers: MedGen C0037772, HP:0001258.
Charlevoix-Saguenay spastic ataxia (SACS). Also called: Spastic ataxia of Charlevoix-Saguenay; SPASTIC ATAXIA 6, AUTOSOMAL RECESSIVE; AUTOSOMAL RECESSIVE SPASTIC ATAXIA OF CHARLEVOIX-SAGUENAY. Identifiers: Orphanet 98, MedGen C1849140, MONDO:0010041, OMIM 270550.
Hereditary spastic paraplegia. Also called: Familial spastic paraparesis. Identifiers: Orphanet 685, MedGen C0037773, MONDO:0019064. Disease mechanism: loss of function.

Submissions (3):

Labcorp Genetics (formerly Invitae), Labcorp
Classification: Pathogenic for Spastic paraplegia. Last evaluated: 2022-07-19. Review status: criteria provided, single submitter. Criteria: Invitae Variant Classification Sherloc (09022015). Collection method: clinical testing. Allele origin: germline.
Comment: This variant is not present in population databases (gnomAD no frequency). This sequence change creates a premature translational stop signal (p.Lys2862*) in the SACS gene. While this is not anticipated to result in nonsense mediated decay, it is expected to disrupt the last 1718 amino acid(s) of the SACS protein. This premature translational stop signal has been observed in individual(s) with spastic ataxia of Charlevoix-Saguenay (PMID: 23497566). In at least one individual the data is consistent with being in trans (on the opposite chromosome) from a pathogenic variant. For these reasons, this variant has been classified as Pathogenic. This variant disrupts a region of the SACS protein in which other variant(s) (p.Tyr4538*) have been determined to be pathogenic (Invitae). This suggests that this is a clinically significant region of the protein, and that variants that disrupt it are likely to be disease-causing. ClinVar contains an entry for this variant (Variation ID: 1344003).

PROSPAX: an integrated multimodal progression  chart in spastic ataxias, Center for Neurology; Hertie-Institute for Clinical Brain Research
Classification: Likely pathogenic for Charlevoix-Saguenay spastic ataxia. Last evaluated: 2022-01-01. Review status: criteria provided, single submitter. Criteria: ACMG Guidelines, 2015. Collection method: research. Allele origin: germline. Affected: yes.
Comment: Variant seen in compound het: [c.3769G>T;c.8584A>T]

Genome Diagnostics Laboratory, The Hospital for Sick Children
Classification: Likely pathogenic for Hereditary spastic paraplegia. Last evaluated: 2019-01-01. Review status: criteria provided, single submitter. Criteria: ACMG Guidelines, 2015. Collection method: clinical testing. Allele origin: germline. Affected: yes.

Literature cited by the submitters: PubMed 23497566 (cited by Labcorp Genetics (formerly Invitae), Labcorp).